The following is an entry in ClinVar:

ClinVar aggregate classification (germline): Uncertain significance. Review status: criteria provided, multiple submitters, no conflicts (2 of 4 stars). 2 submissions from 2 submitters: Uncertain significance (2). Last evaluated 2024-06-13.

Conditions:
Inborn genetic diseases. Identifiers: MedGen C0950123, MeSH D030342.

Allele frequency attached by ClinVar (database versions not stated): ExAC 0.00001; gnomAD exomes 0.00001.
gnomAD v4.1: 11 of 1,614,042 alleles (0.00068%); highest among the groups gnomAD compares: Non-Finnish European, 0.00068%; no homozygotes.

Submissions (2):

GeneDx
Classification: Uncertain significance. Last evaluated: 2024-06-13. Review status: criteria provided, single submitter. Criteria: GeneDx Variant Classification Process June 2021. Collection method: clinical testing. Allele origin: germline. Affected: yes.
Comment: Not observed at significant frequency in large population cohorts (gnomAD); In silico analysis supports that this missense variant has a deleterious effect on protein structure/function; Has not been previously published as pathogenic or benign to our knowledge

Ambry Genetics
Classification: Uncertain significance for Inborn genetic diseases. Last evaluated: 2022-05-27. Review status: criteria provided, single submitter. Criteria: Ambry Variant Classification Scheme 2023. Collection method: clinical testing. Allele origin: germline.

NM_020964.3(EPG5):c.6584C>T (p.Ala2195Val)

Gene: EPG5 (ectopic P-granules 5 autophagy tethering factor; minus strand). Cytogenetic location: 18q12.3.
Variant type: single nucleotide variant.
Coding change: c.6584C>T on transcript NM_020964.3 (MANE Select); coding-DNA position 6584, C replaced by T.
Protein change: p.Ala2195Val; replaces alanine 2195 with valine.
Molecular consequence: missense variant.
Genome position (GRCh38, 1-based): chr18:45,866,835, G>A on the plus strand (C>T on the coding strand, the complement: EPG5 is on the minus strand). VCF-style: chr18-45866835-G-A. GRCh37 (hg19) VCF-style: chr18-43446800-G-A.
Other names: c.6584C>T, p.Ala2195Val (NM_001410858.1); c.6581C>T, p.Ala2194Val (NM_001410859.1); short protein forms A2194V, A2195V.
Identifiers: ClinVar variation 2382704 (VCV002382704.3), dbSNP rs764699240, ClinGen allele CA8948239.
Genomic context (GRCh38, chr18:45,866,835, plus strand): 5'-TTTTAAACTACCTCTCAACTTACAAGATGCTTCTGGCTGTCAGTAGGAATAGAAAGGCCC[G>A]CAGACACTTTTAGGAGCTTCATGATTAATTCAGCATAAGATTCTTTTGCCAGGATGATGG-3'
Protein context (NP_066015.2, residues 2185-2205): ELIMKLLKVS[Ala2195Val]GLSIPTDSQK